The following is an entry in ClinVar:

NM_004782.4(SNAP29):c.108del (p.Asp36fs)

Gene: SNAP29 (synaptosome associated protein 29; plus strand). Cytogenetic location: 22q11.21.
Variant type: Deletion.
Coding change: c.108del on transcript NM_004782.4 (MANE Select); coding-DNA position 108, one base deleted (C; older notation c.108delC).
Protein change: p.Asp36fs; shifts the reading frame from aspartic acid 36.
Molecular consequence: frameshift variant.
Genome position (GRCh38, 1-based): chr22:20,859,218, C deleted. VCF-style (leftmost placement, unchanged base first): chr22-20859217-AC-A. GRCh37 (hg19) VCF-style: chr22-21213505-AC-A.
Other names: short protein forms D36fs.
Identifiers: ClinVar variation 2867406 (VCV002867406.3), dbSNP rs1313497913, ClinGen allele CA751550933.

ClinVar aggregate classification (germline): Pathogenic (1 of 4 stars; one submission).

Allele frequency attached by ClinVar (database versions not stated): TOPMed below 0.00001.

Submission:

Labcorp Genetics (formerly Invitae), Labcorp
Classification: Pathogenic. Last evaluated: 2023-08-29. Review status: criteria provided, single submitter. Criteria: Invitae Variant Classification Sherloc (09022015). Collection method: clinical testing. Allele origin: germline.
Comment: This variant has not been reported in the literature in individuals affected with SNAP29-related conditions. For these reasons, this variant has been classified as Pathogenic. This variant is not present in population databases (gnomAD no frequency). This sequence change creates a premature translational stop signal (p.Asp36Glufs*67) in the SNAP29 gene. It is expected to result in an absent or disrupted protein product. Loss-of-function variants in SNAP29 are known to be pathogenic (PMID: 15968592, 21073448).

Literature cited by the submitters: PubMed 15968592; PubMed 21073448.